The following is an entry in ClinVar:

NM_005751.5(AKAP9):c.11547-14_11574del

Gene: AKAP9 (A-kinase anchoring protein 9; plus strand). Cytogenetic location: 7q21.2.
Variant type: Deletion.
Coding change: c.11547-14_11574del on transcript NM_005751.5 (MANE Select); 14 bases into the intron before coding-DNA position 11547 through coding-DNA position 11574, 42 bases deleted.
Molecular consequence: splice acceptor variant.
Genome position (GRCh38, 1-based): chr7:92,108,480-92,108,521, 42 bases deleted; deleting any 42 consecutive bases within chr7:92,108,478-92,108,521 gives the same sequence; the c. name uses the placement nearest the transcript's 3' end. GRCh37 (hg19): chr7:91,737,794-91,737,835.
Other names: c.11523-14_11550del (NM_147185.3); c.6192-14_6219del (NM_001379277.1).
Identifiers: ClinVar variation 3640707 (VCV003640707.2).

ClinVar aggregate classification (germline): Uncertain significance (1 of 4 stars; one submission).

Conditions:
Long QT syndrome (LQTS). Identifiers: MedGen C0023976, MeSH D008133, MONDO:0002442. Disease mechanism: loss of function. Inheritance: Various modes of inheritance.

Submission:

Labcorp Genetics (formerly Invitae), Labcorp
Classification: Uncertain significance for Long QT syndrome. Last evaluated: 2024-10-31. Review status: criteria provided, single submitter. Criteria: Invitae Variant Classification Sherloc (09022015). Collection method: clinical testing. Allele origin: germline.
Comment: This variant results in the deletion of part of exon 49 (c.11547-14_11574del) of the AKAP9 gene. It is expected to disrupt RNA splicing. Variants that disrupt the donor or acceptor splice site typically lead to a loss of protein function (PMID: 16199547), however the current clinical and genetic evidence is not sufficient to establish whether loss-of-function variants in AKAP9 cause disease. This variant is not present in population databases (gnomAD no frequency). This variant has not been reported in the literature in individuals affected with AKAP9-related conditions. In summary, the available evidence is currently insufficient to determine the role of this variant in disease. Therefore, it has been classified as a Variant of Uncertain Significance.

Literature cited by the submitters: PubMed 16199547.